The following is an entry in ClinVar:

ClinVar aggregate classification (germline): Conflicting classifications of pathogenicity. Review status: criteria provided, conflicting classifications (1 of 4 stars). 11 submissions from 11 submitters: Uncertain significance (1); Benign (8); Likely benign (1). 1 of the submissions does not count toward it. Last evaluated 2026-09-01.

Conditions:
Inborn genetic diseases. Identifiers: MedGen C0950123, MeSH D030342.
Intellectual disability, autosomal dominant 9 (NESCAVS). Also called: NESCAV SYNDROME; KIF1A-Related Neurodevelopmental Disorder. Identifiers: Orphanet 662367, MedGen C5393830, MONDO:0013656, OMIM 614255.
Neuropathy, hereditary sensory, type 2C. Also called: KIF1A-Related HSAN2 (HSAN2C); Hereditary sensory and autonomic neuropathy type IIC. Identifiers: Orphanet 970, MedGen C3280168, MONDO:0013634, OMIM 614213.
Hereditary spastic paraplegia 30. Identifiers: Orphanet 101010, MedGen C5235139, MONDO:0012476.
Hereditary spastic paraplegia. Also called: Familial spastic paraparesis. Identifiers: Orphanet 685, MedGen C0037773, MONDO:0019064. Disease mechanism: loss of function.

Allele frequency attached by ClinVar (database versions not stated): gnomAD exomes 0.00383; ExAC 0.00462; gnomAD 0.01333 and 0.01425; 1000 Genomes Project 0.01338; 1000 Genomes Project 30x 0.01437; ESP Exome Variant Server 0.01451; TOPMed 0.01462.
gnomAD v4.1: 4,573 of 1,612,432 alleles (0.28%); highest among the groups gnomAD compares: African/African-American, 4.6%; 67 homozygotes.

Submissions (11):

CeGaT Center for Human Genetics Tuebingen
Classification: Benign. Last evaluated: 2026-09-01. Review status: criteria provided, single submitter. Criteria: CeGaT Center For Human Genetics Tuebingen Variant Classification Criteria Version 2. Collection method: clinical testing. Allele origin: germline. Affected: yes. Observed: 8 variant alleles.
Comment: KIF1A: BP4, BP7, BS1, BS2

Labcorp Genetics (formerly Invitae), Labcorp
Classification: Benign for Hereditary spastic paraplegia 30; Neuropathy, hereditary sensory, type 2C; Intellectual disability, autosomal dominant 9. Last evaluated: 2026-02-03. Review status: criteria provided, single submitter. Criteria: Invitae Variant Classification Sherloc (09022015). Collection method: clinical testing. Allele origin: germline.

ARUP Laboratories, Molecular Genetics and Genomics, ARUP Laboratories
Classification: Benign. Last evaluated: 2025-07-17. Review status: criteria provided, single submitter. Criteria: ARUP Molecular Germline Variant Investigation Process 2024. Collection method: clinical testing. Allele origin: germline.

Mayo Clinic Laboratories, Mayo Clinic
Classification: Benign. Last evaluated: 2023-07-05. Review status: criteria provided, single submitter. Criteria: ACMG Guidelines, 2015. Collection method: clinical testing. Allele origin: germline. Observed: 7 variant alleles.

Genome Diagnostics Laboratory, The Hospital for Sick Children
Classification: Likely benign for Hereditary spastic paraplegia. Last evaluated: 2021-06-13. Review status: criteria provided, single submitter. Criteria: ACMG Guidelines, 2015. Collection method: clinical testing. Allele origin: germline. Affected: yes.

Center for Precision Medicine, Vanderbilt University Medical Center
Classification: Uncertain significance for Spastic paraplegia 30A, autosomal dominant. Last evaluated: 2018-03-16. Review status: criteria provided, single submitter. Criteria: ACMG Guidelines, 2015. Collection method: research. Allele origin: germline. Inheritance: Autosomal recessive inheritance. Observed: 26 variant alleles, 25 heterozygotes, 1 homozygote. Clinical features observed: peripheral neuropathy, functional disorders of bladder, abnormal involuntary movements, spinocerebellar disease, lack of coordination, muscular wasting and disuse atrophy, muscle weakness, abnormality of gait.

Illumina Laboratory Services, Illumina
Classification: Benign for Spastic paraplegia 30A, autosomal dominant. Last evaluated: 2018-01-12. Review status: criteria provided, single submitter. Criteria: ICSL Variant Classification Criteria 13 December 2019. Collection method: clinical testing. Allele origin: germline.
Comment: This variant was observed in the ICSL laboratory as part of a predisposition screen in an ostensibly healthy population. It had not been previously curated by ICSL or reported in the Human Gene Mutation Database (HGMD: prior to June 1st, 2018), and was therefore a candidate for classification through an automated scoring system. Utilizing variant allele frequency, disease prevalence and penetrance estimates, and inheritance mode, an automated score was calculated to assess if this variant is too frequent to cause the disease. Based on the score and internal cut-off values, a variant classified as benign is not then subjected to further curation. The score for this variant resulted in a classification of benign for this disease.

Athena Diagnostics
Classification: Benign. Last evaluated: 2017-12-28. Review status: criteria provided, single submitter. Criteria: Athena Diagnostics Criteria. Collection method: clinical testing. Allele origin: germline.

Ambry Genetics
Classification: Benign for Inborn genetic diseases. Last evaluated: 2016-05-11. Review status: criteria provided, single submitter. Criteria: Ambry Variant Classification Scheme 2023. Collection method: clinical testing. Allele origin: germline.

GeneDx
Classification: Benign. Last evaluated: 2015-04-24. Review status: criteria provided, single submitter. Criteria: GeneDx Variant Classification (06012015). Collection method: clinical testing. Allele origin: germline. Affected: yes.
Comment: This variant is considered likely benign or benign based on one or more of the following criteria: it is a conservative change, it occurs at a poorly conserved position in the protein, it is predicted to be benign by multiple in silico algorithms, and/or has population frequency not consistent with disease.

Genetic Services Laboratory, University of Chicago
Classification: Likely benign for AllHighlyPenetrant. Review status: no assertion criteria provided. Collection method: clinical testing. Allele origin: germline. Not counted in ClinVar's aggregate classification.
Comment: Likely benign based on allele frequency in 1000 Genomes Project or ESP global frequency and its presence in a patient with a rare or unrelated disease phenotype. NOT Sanger confirmed.

NM_001244008.2(KIF1A):c.2979C>T (p.Ala993=)

Gene: KIF1A (kinesin family member 1A; minus strand). Cytogenetic location: 2q37.3.
Variant type: single nucleotide variant.
Coding change: c.2979C>T on transcript NM_001244008.2 (MANE Select); coding-DNA position 2979, C replaced by T.
Protein change: p.Ala993=; no amino-acid change (alanine 993 retained).
Molecular consequence: synonymous variant.
Genome position (GRCh38, 1-based): chr2:240,747,320, G>A on the plus strand (C>T on the coding strand, the complement: KIF1A is on the minus strand). VCF-style: chr2-240747320-G-A. GRCh37 (hg19) VCF-style: chr2-241686737-G-A.
Other names: p.Ala892=; c.2703C>T, p.Ala901= (NM_001320705.2, NM_001330289.2, NM_001379638.1); c.2778C>T, p.Ala926= (NM_001330290.2, NM_001379634.1, NM_001379635.1 and 1 more transcripts); c.3054C>T, p.Ala1018= (NM_001379631.1); c.2928C>T, p.Ala976= (NM_001379632.1); c.2952C>T, p.Ala984= (NM_001379633.1, NM_001379642.1, NM_001379645.1); c.2676C>T, p.Ala892= (NM_001379636.1, NM_001379639.1, NM_001379640.1 and 6 more transcripts); c.2751C>T, p.Ala917= (NM_001379637.1, NM_001379648.1); and 1 more.
Identifiers: ClinVar variation 129388 (VCV000129388.58), dbSNP rs116297894, ClinGen allele CA153360.